The following is an entry in ClinVar:

NM_000051.4(ATM):c.3200A>C (p.Asp1067Ala)

Gene: ATM (ATM serine/threonine kinase; plus strand). Cytogenetic location: 11q22.3.
Variant type: single nucleotide variant.
Coding change: c.3200A>C on transcript NM_000051.4 (MANE Select); coding-DNA position 3200, A replaced by C.
Protein change: p.Asp1067Ala; replaces aspartic acid 1067 with alanine.
Molecular consequence: missense variant.
Genome position (GRCh38, 1-based): chr11:108,272,768, A>C. VCF-style: chr11-108272768-A-C. GRCh37 (hg19) VCF-style: chr11-108143495-A-C.
Other names: c.3200A>C, p.Asp1067Ala (NM_001351834.2); short protein forms D1067A.
Identifiers: ClinVar variation 4170360 (VCV004170360.1).

ClinVar aggregate classification (germline): Uncertain significance (1 of 4 stars; one submission).

Conditions:
Hereditary cancer-predisposing syndrome. Also called: Neoplastic Syndromes, Hereditary; Tumor predisposition; Hereditary Cancer Syndrome; Hereditary neoplastic syndrome. Identifiers: Orphanet 140162, MedGen C0027672, MeSH D009386, MONDO:0015356.

Submission:

Ambry Genetics
Classification: Uncertain significance for Hereditary cancer-predisposing syndrome. Last evaluated: 2025-08-31. Review status: criteria provided, single submitter. Criteria: Ambry Variant Classification Scheme 2023. Collection method: clinical testing. Allele origin: germline.
Comment: The p.D1067A variant (also known as c.3200A>C), located in coding exon 21 of the ATM gene, results from an A to C substitution at nucleotide position 3200. The aspartic acid at codon 1067 is replaced by alanine, an amino acid with dissimilar properties. This amino acid position is conserved. In addition, the in silico prediction for this alteration is inconclusive. Based on the available evidence, the clinical significance of this variant remains unclear.